The following is an entry in ClinVar:

ClinVar aggregate classification (germline): Uncertain significance. Review status: criteria provided, multiple submitters, no conflicts (2 of 4 stars). 2 submissions from 2 submitters: Uncertain significance (2). Last evaluated 2026-02-28.

Conditions:
Hereditary cancer-predisposing syndrome. Also called: Neoplastic Syndromes, Hereditary; Tumor predisposition; Hereditary Cancer Syndrome; Hereditary neoplastic syndrome. Identifiers: Orphanet 140162, MedGen C0027672, MeSH D009386, MONDO:0015356.

Allele frequency attached by ClinVar (database versions not stated): gnomAD 0.00001.
gnomAD v4.1: 1 of 1,614,070 alleles (0.000062%); highest among the groups gnomAD compares: African/African-American, 0.0013%; no homozygotes.

Submissions (2):

Ambry Genetics
Classification: Uncertain significance for Hereditary cancer-predisposing syndrome. Last evaluated: 2026-02-28. Review status: criteria provided, single submitter. Criteria: Ambry Variant Classification Scheme 2023. Collection method: clinical testing. Allele origin: germline.
Comment: The p.L421P variant (also known as c.1262T>C), located in coding exon 8 of the MSH3 gene, results from a T to C substitution at nucleotide position 1262. The leucine at codon 421 is replaced by proline, an amino acid with similar properties. This amino acid position is conserved. In addition, this alteration is predicted to be deleterious by in silico analysis. Based on the available evidence, the clinical significance of this variant remains unclear.

Labcorp Genetics (formerly Invitae), Labcorp
Classification: Uncertain significance. Last evaluated: 2025-07-16. Review status: criteria provided, single submitter. Criteria: Invitae Variant Classification Sherloc (09022015). Collection method: clinical testing. Allele origin: germline.
Comment: This sequence change replaces leucine, which is neutral and non-polar, with proline, which is neutral and non-polar, at codon 421 of the MSH3 protein (p.Leu421Pro). This variant is present in population databases (no rsID available, gnomAD 0.01%). This variant has not been reported in the literature in individuals affected with MSH3-related conditions. ClinVar contains an entry for this variant (Variation ID: 1500755). An algorithm developed to predict the effect of missense changes on protein structure and function (PolyPhen-2) suggests that this variant is likely to be disruptive. In summary, the available evidence is currently insufficient to determine the role of this variant in disease. Therefore, it has been classified as a Variant of Uncertain Significance.

NM_002439.5(MSH3):c.1262T>C (p.Leu421Pro)

Gene: MSH3 (mutS homolog 3; plus strand). Cytogenetic location: 5q14.1.
Variant type: single nucleotide variant.
Coding change: c.1262T>C on transcript NM_002439.5 (MANE Select); coding-DNA position 1262, T replaced by C.
Protein change: p.Leu421Pro; replaces leucine 421 with proline.
Molecular consequence: missense variant.
Genome position (GRCh38, 1-based): chr5:80,679,015, T>C. VCF-style: chr5-80679015-T-C. GRCh37 (hg19) VCF-style: chr5-79974834-T-C.
Other names: c.1262T>C (NM_002439.3); short protein forms L421P.
Identifiers: ClinVar variation 1500755 (VCV001500755.9), dbSNP rs1163885214, ClinGen allele CA360268997.